The following is an entry in ClinVar:

ClinVar aggregate classification (germline): Uncertain significance (1 of 4 stars; one submission).

Submission:

Center for Pediatric Genomic Medicine, Children's Mercy Hospital and Clinics
Classification: Uncertain significance. Last evaluated: 2017-01-02. Review status: criteria provided, single submitter. Criteria: ACMG Guidelines, 2015. Collection method: clinical testing. Allele origin: germline.
ClinVar note: Converted during submission from Uncertain Significance to Uncertain significance.

NM_205768.3(ZBTB18):c.307A>T (p.Ile103Phe)

Gene: ZBTB18 (zinc finger and BTB domain containing 18; plus strand). Cytogenetic location: 1q44.
Variant type: single nucleotide variant.
Coding change: c.307A>T on transcript NM_205768.3 (MANE Select); coding-DNA position 307, A replaced by T.
Protein change: p.Ile103Phe; replaces isoleucine 103 with phenylalanine.
Molecular consequence: missense variant.
Genome position (GRCh38, 1-based): chr1:244,054,081, A>T. VCF-style: chr1-244054081-A-T. GRCh37 (hg19) VCF-style: chr1-244217383-A-T.
Other names: c.280A>T, p.Ile94Phe (NM_001278196.2, NM_006352.5); short protein forms I103F, I94F.
Identifiers: ClinVar variation 377090 (VCV000377090.3), dbSNP rs1057520130, ClinGen allele CA16603264.